The following is an entry in ClinVar:

ClinVar aggregate classification (germline): Uncertain significance (1 of 4 stars; one submission).

Conditions:
Epidermolysis bullosa simplex with nail dystrophy (EBS5D). Identifiers: MedGen C4225309, MONDO:0014661, OMIM 616487.
Epidermolysis bullosa simplex, Ogna type (EBS5A). Also called: EPIDERMOLYSIS BULLOSA SIMPLEX 5A, OGNA TYPE; Pidermolysis bullosa simplex 5A, Ogna type. Identifiers: Orphanet 79401, MedGen C0432317, MONDO:0007555, OMIM 131950.
Autosomal recessive limb-girdle muscular dystrophy type 2Q (LGMDR17). Also called: MUSCULAR DYSTROPHY, LIMB-GIRDLE, AUTOSOMAL RECESSIVE 17. Identifiers: Orphanet 254361, MedGen C3150989, MONDO:0013390, OMIM 613723.
Epidermolysis bullosa simplex 5B, with muscular dystrophy (EBS5B). Also called: EPIDERMOLYSIS BULLOSA SIMPLEX AND LIMB-GIRDLE MUSCULAR DYSTROPHY; Epidermolysis bullosa simplex with muscular dystrophy. Identifiers: Orphanet 257, MedGen C2931072, MONDO:0009181, OMIM 226670.
Epidermolysis bullosa simplex 5C, with pyloric atresia (EBS5C). Also called: PLEC-Related Epidermolysis Bullosa with Pyloric Atresia; Epidermolysis bullosa simplex with pyloric atresia; PLEC1-Related Epidermolysis Bullosa with Pyloric Atresia. Identifiers: Orphanet 158684, MedGen C2677349, MONDO:0012807, OMIM 612138.

Submission:

Labcorp Genetics (formerly Invitae), Labcorp
Classification: Uncertain significance for Autosomal recessive limb-girdle muscular dystrophy type 2Q; Epidermolysis bullosa simplex, Ogna type; Epidermolysis bullosa simplex with nail dystrophy; Epidermolysis bullosa simplex 5C, with pyloric atresia; Epidermolysis bullosa simplex 5B, with muscular dystrophy. Last evaluated: 2025-11-03. Review status: criteria provided, single submitter. Criteria: Invitae Variant Classification Sherloc (09022015). Collection method: clinical testing. Allele origin: germline.
Comment: This sequence change falls in intron 2 of the PLEC gene. It does not directly change the encoded amino acid sequence of the PLEC protein. This variant is not present in population databases (gnomAD no frequency). This variant has not been reported in the literature in individuals affected with PLEC-related conditions. Algorithms developed to predict the effect of sequence changes on RNA splicing suggest that this variant may create or strengthen a splice site. In summary, the available evidence is currently insufficient to determine the role of this variant in disease. Therefore, it has been classified as a Variant of Uncertain Significance.

NM_201378.4(PLEC):c.70+2T>G

Gene: PLEC (plectin; minus strand). Cytogenetic location: 8q24.3.
Variant type: single nucleotide variant.
Coding change: c.70+2T>G on transcript NM_201378.4 (MANE Plus Clinical); the canonical splice donor site of the intron after coding-DNA position 70, T replaced by G.
Molecular consequence: splice donor variant. On other transcripts: intron variant (2).
Genome position (GRCh38, 1-based): chr8:143,973,401, A>C on the plus strand (T>G on the coding strand, the complement: PLEC is on the minus strand). VCF-style: chr8-143973401-A-C. GRCh37 (hg19) VCF-style: chr8-145047569-A-C.
Other names: c.193+1776T>G (NM_001410941.1, NM_000445.5).
Identifiers: ClinVar variation 4788459 (VCV004788459.1).